The following is an entry in ClinVar:

NM_000154.2(GALK1):c.593C>T (p.Ala198Val)

Gene: GALK1 (galactokinase 1; minus strand). Cytogenetic location: 17q25.1.
Variant type: single nucleotide variant.
Coding change: c.593C>T on transcript NM_000154.2 (MANE Select); coding-DNA position 593, C replaced by T.
Protein change: p.Ala198Val; replaces alanine 198 with valine.
Molecular consequence: missense variant.
Genome position (GRCh38, 1-based): chr17:75,763,032, G>A on the plus strand (C>T on the coding strand, the complement: GALK1 is on the minus strand). VCF-style: chr17-75763032-G-A. GRCh37 (hg19) VCF-style: chr17-73759113-G-A.
Other names: short protein forms A198V.
Identifiers: ClinVar variation 5633 (VCV000005633.17), dbSNP rs80084721, ClinGen allele CA117661.
Genomic context (GRCh38, chr17:75,763,032, plus strand): 5'-GCTGAGTGCAGGGCGGGAGGGGACGAGGGGAGCGAGCCCAACCTGCAGTCAATGAGCAGC[G>A]CGTGGCCTTTCTGTCCCATAAGTGAGATGAACTGGTCCATGATGCCACAGGGCATCCCTG-3'
Protein context (NP_000145.1, residues 188-208): FISLMGQKGH[Ala198Val]LLIDCRSLET

ClinVar aggregate classification (germline): Conflicting classifications of pathogenicity. Review status: criteria provided, conflicting classifications (1 of 4 stars). 9 submissions from 9 submitters: Uncertain significance (3); Likely benign (2). 4 of the submissions do not count toward it. Last evaluated 2025-01-27.

Conditions:
GALK1-related disorder. Also called: GALK1-related condition.
Deficiency of galactokinase. Also called: GALACTOSEMIA II; Galactokinase deficiency with cataracts. Identifiers: Orphanet 352, Orphanet 79237, MedGen C0268155, MONDO:0009255, OMIM 230200.

Allele frequency attached by ClinVar (database versions not stated): TOPMed 0.00074; gnomAD exomes 0.00099 and 0.00124; 1000 Genomes Project 30x 0.00265; 1000 Genomes Project 0.00300.
gnomAD v4.1: 1,592 of 1,612,946 alleles (0.099%); highest among the groups gnomAD compares: East Asian, 3%; 29 homozygotes.

Submissions (9):

Labcorp Genetics (formerly Invitae), Labcorp
Classification: Uncertain significance for Deficiency of galactokinase. Last evaluated: 2025-01-27. Review status: criteria provided, single submitter. Criteria: Invitae Variant Classification Sherloc (09022015). Collection method: clinical testing. Allele origin: germline.
Comment: This sequence change replaces alanine, which is neutral and non-polar, with valine, which is neutral and non-polar, at codon 198 of the GALK1 protein (p.Ala198Val). This variant is present in population databases (rs80084721, gnomAD 1.5%), and has an allele count higher than expected for a pathogenic variant. This missense change has been observed in individual(s) with mild galactokinase deficiency and/or bilateral cataracts (PMID: 11231902). It has also been observed to segregate with disease in related individuals. This variant is also known as Osaka variant. ClinVar contains an entry for this variant (Variation ID: 5633). Invitae Evidence Modeling of protein sequence and biophysical properties (such as structural, functional, and spatial information, amino acid conservation, physicochemical variation, residue mobility, and thermodynamic stability) indicates that this missense variant is not expected to disrupt GALK1 protein function with a negative predictive value of 80%. Experimental studies have shown that this missense change affects GALK1 function (PMID: 11231902, 12694189). In summary, the available evidence is currently insufficient to determine the role of this variant in disease. Therefore, it has been classified as a Variant of Uncertain Significance.

Blueprint Genetics
Classification: Likely benign. Last evaluated: 2024-11-27. Review status: criteria provided, single submitter. Criteria: ACMG Guidelines, 2015. Collection method: clinical testing. Allele origin: germline.

Women's Health and Genetics/Laboratory Corporation of America, LabCorp
Classification: Likely benign. Last evaluated: 2022-01-05. Review status: criteria provided, single submitter. Criteria: LabCorp Variant Classification Summary - May 2015. Collection method: clinical testing. Allele origin: germline.
Comment: Variant summary: GALK1 c.593C>T (p.Ala198Val) results in a non-conservative amino acid change in the encoded protein sequence. Three of five in-silico tools predict a damaging effect of the variant on protein function. The variant allele was found at a frequency of 0.0012 in 250192 control chromosomes, predominantly at a frequency of 0.015 within the East Asian subpopulation in the gnomAD database, including 2 homozygotes. The observed variant frequency within East Asian control individuals in the gnomAD database is approximately 13-fold of the estimated maximal expected allele frequency (MPAF) for a pathogenic variant in GALK1 causing Deficiency of Galactokinase phenotype (0.0011). However, the variant was reported in certain East Asian subpopulations with an even higher allele frequency, e.g. in the Japanese, with an allele frequency of 0.044-0.047 (in the HGVD-Kyoto and jMorp databases). This frequency is about 40-fold higher than the of the MPAF (0.0011), suggesting that the variant is a benign polymorphism found primarily in populations of East Asian origin. The variant, c.593C>T (aka. Osaka variant), was found in 4 compound heterozygous Japanese newborns with decreased GALK activity, and all of them carried a (presumed) null variant in trans, however, none of these cases had cataract or other clinical manifestations during the neonatal period (Okano_2001). The authors of this study also performed a population analysis, which revealed that the prevalence of A198V is 4.1% in Japanese and 2.8% in Koreans, with a lower incidence in Taiwanese and Chinese, and no incidence in blacks or whites from the United States. On the other hand, authors found that the variant had a significantly higher frequency (7.8%) in Japanese adults (>55 years of age) with bilateral cataract, therefore the Osaka variant might be one of the genetic risk factors in age-related cataract formation (Okano_2001). To our knowledge, the variant has not been reported in the literature in individuals affected with congenital, neonatal, or early childhood bilateral cataracts that seems to be the only consistent manifestation in patients with classic GALK1 deficiency (Rubio-Gozalbo_2021). Publications also reported experimental evidence evaluating an impact on protein function, and demonstrated that while the variant protein had normal Km, the in vivo activity in patient derived samples was about 20% of the normal, which corresponded to the decreased amount and activity for the variant protein expressed in mammalian cells, suggesting a decreased stability for the variant protein (Okano_2001). However, the variant protein was found to have a normal expression and activity (Vmax and Km) in a bacterial expression system (Timson_2003). These data suggest that the variant may result in an increased degradation in human (mammalian) cells (Timson_2003). Five clinical diagnostic laboratories have submitted clinical-significance assessments for this variant to ClinVar after 2014, and classified the variant as VUS (n=4) or likely benign (n=1). Based on the evidence outlined above, the although the variant might represent a risk-factor for age-related cataract formation, it is unlikely to be associated with congenital cataracts, therefore the variant was classified as likely benign.

Mendelics
Classification: Uncertain significance for Deficiency of galactokinase. Last evaluated: 2019-05-28. Review status: criteria provided, single submitter. Criteria: Mendelics Assertion Criteria 2017. Collection method: clinical testing. Allele origin: unknown.

Illumina Laboratory Services, Illumina
Classification: Uncertain significance for Deficiency of galactokinase. Last evaluated: 2017-04-27. Review status: criteria provided, single submitter. Criteria: ICSL Variant Classification Criteria 13 December 2019. Collection method: clinical testing. Allele origin: germline.
Comment: This variant was observed as part of a predisposition screen in an ostensibly healthy population. A literature search was performed for the gene, cDNA change, and amino acid change (where applicable). Publications were found based on this search. However, the evidence from the literature, in combination with allele frequency data from public databases where available, was not sufficient to rule this variant in or out of causing disease. Therefore, this variant is classified as a variant of unknown significance.

PreventionGenetics, part of Exact Sciences
Classification: Uncertain significance for GALK1-related condition. Last evaluated: 2024-05-24. Review status: no assertion criteria provided. Collection method: clinical testing. Allele origin: germline. Not counted in ClinVar's aggregate classification.
Comment: The GALK1 c.593C>T variant is predicted to result in the amino acid substitution p.Ala198Val. This variant, also known as the Osaka variant, has been reported in mild galactokinase deficiency (GALK) in three families and segregated with disease (Okano et al. 2001. PubMed ID: 11231902). This study also found the variant had a much higher prevalence in Japanese and Korean populations and there was evidence of a correlation between the presence of the variant and development of age-related cataracts. It has also been reported in a patient with glycogen storage disease; however, it was considered to be a variant of uncertain significance for the disease (Fang et al. 2021. PubMed ID: 33763395). In vitro functional studies demonstrate reduced protein activity and impaired stability (Okano et al. 2001. PubMed ID: 11231902; Timson et al. 2003. PubMed ID: 12694189). This variant is reported in 1.5% of alleles in individuals of East Asian descent in gnomAD, including 2 homozygotes. It has conflicting interpretations ranging from likely benign to pathogenic in ClinVar. At this time, the clinical significance of this variant is uncertain due to the absence of conclusive functional and genetic evidence.

Natera, Inc.
Classification: Uncertain significance for Deficiency of galactokinase. Last evaluated: 2020-01-07. Review status: no assertion criteria provided. Collection method: clinical testing. Allele origin: germline. Not counted in ClinVar's aggregate classification.

Counsyl
Classification: Likely benign for Deficiency of galactokinase. Last evaluated: 2017-12-20. Review status: no assertion criteria provided. Collection method: clinical testing. Allele origin: unknown. Not counted in ClinVar's aggregate classification.

OMIM
Classification: Pathogenic for GALACTOSEMIA II. Last evaluated: 2001-04-01. Review status: no assertion criteria provided. Collection method: literature only. Allele origin: germline. Not counted in ClinVar's aggregate classification.

Literature cited by the submitters: PubMed 11231902 (cited by 5 submitters); PubMed 12694189 (cited by 4 submitters); PubMed 29893426 (cited by Women's Health and Genetics/Laboratory Corporation of America, LabCorp); PubMed 33763395 (cited by Women's Health and Genetics/Laboratory Corporation of America, LabCorp); PubMed 33562227 (cited by Women's Health and Genetics/Laboratory Corporation of America, LabCorp); PubMed 12942049 (cited by Women's Health and Genetics/Laboratory Corporation of America, LabCorp and Illumina Laboratory Services, Illumina); PubMed 32807972 (cited by Women's Health and Genetics/Laboratory Corporation of America, LabCorp); PubMed 27334249 (cited by Women's Health and Genetics/Laboratory Corporation of America, LabCorp); PubMed 22632133 (cited by Illumina Laboratory Services, Illumina); PubMed 21290184 (cited by Illumina Laboratory Services, Illumina); PubMed 21264483 (cited by Counsyl).